The following is an entry in ClinVar:

ClinVar aggregate classification (germline): Benign (1 of 4 stars; one submission).

Submission:

Unidad de Genómica Garrahan, Hospital de Pediatría Garrahan
Classification: Benign. Last evaluated: 2024-01-24. Review status: criteria provided, single submitter. Criteria: ACMG Guidelines, 2015. Collection method: clinical testing. Allele origin: germline. Affected: no. Observed: 52 variant alleles.
Comment: This variant is classified as Benign based on local population frequency. This variant was detected in 55% of patients studied by a panel of primary immunodeficiencies. Number of patients: 52. Only high quality variants are reported.

NM_006254.4(PRKCD):c.315+38_315+39insGGTG

Gene: PRKCD (protein kinase C delta; plus strand). Cytogenetic location: 3p21.1.
Variant type: Insertion.
Coding change: c.315+38_315+39insGGTG on transcript NM_006254.4 (MANE Select); bases 38 to 39 of the intron after coding-DNA position 315, GGTG inserted.
Molecular consequence: intron variant.
Genome position: GRCh38 VCF-style: chr3-53179811-T-TGTGG. GRCh37 (hg19) VCF-style: chr3-53213827-T-TGTGG.
Other names: c.315+38_315+39insGGTG (NM_001354680.2, NM_001354679.2, NM_212539.2 and 1 more transcripts); c.372+38_372+39insGGTG (NM_001354676.2); c.363+38_363+39insGGTG (NM_001354678.2).
Identifiers: ClinVar variation 2688097 (VCV002688097.2), dbSNP rs2107257905, ClinGen allele CA2697556686.